The following is an entry in ClinVar:

NM_002485.5(NBN):c.769G>A (p.Glu257Lys)

Gene: NBN (nibrin; minus strand). Cytogenetic location: 8q21.3.
Variant type: single nucleotide variant.
Coding change: c.769G>A on transcript NM_002485.5 (MANE Select); coding-DNA position 769, G replaced by A.
Protein change: p.Glu257Lys; replaces glutamic acid 257 with lysine.
Molecular consequence: missense variant.
Genome position (GRCh38, 1-based): chr8:89,970,491, C>T on the plus strand (G>A on the coding strand, the complement: NBN is on the minus strand). VCF-style: chr8-89970491-C-T. GRCh37 (hg19) VCF-style: chr8-90982719-C-T.
Other names: c.523G>A, p.Glu175Lys (NM_001024688.3); short protein forms E257K, E175K.
Identifiers: ClinVar variation 239206 (VCV000239206.9), dbSNP rs878854516, ClinGen allele CA10582602.

ClinVar aggregate classification (germline): Conflicting classifications of pathogenicity. Review status: criteria provided, conflicting classifications (1 of 4 stars). 2 submissions from 2 submitters: Uncertain significance (1); Likely benign (1). Last evaluated 2024-03-05.

Conditions:
Hereditary cancer-predisposing syndrome. Also called: Neoplastic Syndromes, Hereditary; Tumor predisposition; Hereditary neoplastic syndrome; Hereditary Cancer Syndrome. Identifiers: Orphanet 140162, MedGen C0027672, MeSH D009386, MONDO:0015356.
Microcephaly, normal intelligence and immunodeficiency (NBS). Also called: Ataxia telangiectasia variant V1; Nijmegen breakage syndrome; Microcephaly with normal intelligence immunodeficiency and lymphoreticular malignancies; Nonsyndromal microcephaly autosomal recessive with normal intelligence; Seemanova syndrome 2; IMMUNODEFICIENCY, MICROCEPHALY, AND CHROMOSOMAL INSTABILITY. Identifiers: Orphanet 647, MedGen C0398791, MONDO:0009623, OMIM 251260.

Submissions (2):

Ambry Genetics
Classification: Likely benign for Hereditary cancer-predisposing syndrome. Last evaluated: 2024-03-05. Review status: criteria provided, single submitter. Criteria: Ambry Variant Classification Scheme 2023. Collection method: clinical testing. Allele origin: germline.

Labcorp Genetics (formerly Invitae), Labcorp
Classification: Uncertain significance for Microcephaly, normal intelligence and immunodeficiency. Last evaluated: 2017-11-21. Review status: criteria provided, single submitter. Criteria: Invitae Variant Classification Sherloc (09022015). Collection method: clinical testing. Allele origin: germline.
Comment: In summary, the available evidence is currently insufficient to determine the role of this variant in disease. Therefore, it has been classified as a Variant of Uncertain Significance. Algorithms developed to predict the effect of missense changes on protein structure and function output the following: SIFT: "Tolerated"; PolyPhen-2: "Benign"; Align-GVGD: "Class C0". The lysine amino acid residue is found in multiple mammalian species, suggesting that this missense change does not adversely affect protein function. These predictions have not been confirmed by published functional studies and their clinical significance is uncertain. This variant has not been reported in the literature in individuals with NBN-related disease. ClinVar contains an entry for this variant (Variation ID: 239206). This variant is not present in population databases (ExAC no frequency). This sequence change replaces glutamic acid with lysine at codon 257 of the NBN protein (p.Glu257Lys). The glutamic acid residue is weakly conserved and there is a small physicochemical difference between glutamic acid and lysine.